The following is an entry in ClinVar:

ClinVar aggregate classification (germline): Likely benign. Review status: criteria provided, multiple submitters, no conflicts (2 of 4 stars). 7 submissions from 5 submitters: Likely benign (7). Last evaluated 2025-11-21.

Conditions:
Hypertrophic cardiomyopathy 2. Also called: TNNT2-Related Familial Hypertrophic Cardiomyopathy. Identifiers: MedGen C1861864, MONDO:0007266, OMIM 115195.
Dilated cardiomyopathy 1D. Identifiers: Orphanet 154, Orphanet 54260, MedGen C1832243, MONDO:0011095, OMIM 601494.
Cardiomyopathy, familial restrictive, 3. Identifiers: Orphanet 75249, MedGen C2676271, MONDO:0012900, OMIM 612422.
Cardiomyopathy (CMYO). Also called: Cardiomyopathies. Identifiers: Orphanet 167848, MedGen C0878544, MONDO:0004994, HP:0001638. Inheritance: Various modes of inheritance.

Allele frequency attached by ClinVar (database versions not stated): TOPMed below 0.00001; gnomAD 0.00001; gnomAD exomes 0.00001; ExAC 0.00002.
gnomAD v4.1: 4 of 1,611,170 alleles (0.00025%); highest among the groups gnomAD compares: Non-Finnish European, 0.00034%; no homozygotes.

Submissions (7):

Labcorp Genetics (formerly Invitae), Labcorp
Classification: Likely benign for Cardiomyopathy, familial restrictive, 3; Hypertrophic cardiomyopathy 2; Dilated cardiomyopathy 1D. Last evaluated: 2025-11-21. Review status: criteria provided, single submitter. Criteria: Invitae Variant Classification Sherloc (09022015). Collection method: clinical testing. Allele origin: germline.

Blueprint Genetics
Classification: Likely benign. Last evaluated: 2024-11-05. Review status: criteria provided, single submitter. Criteria: ACMG Guidelines, 2015. Collection method: clinical testing. Allele origin: germline.

All of Us Research Program, National Institutes of Health
Classification: Likely benign for Cardiomyopathy. Last evaluated: 2024-04-16. Review status: criteria provided, single submitter. Criteria: ACMG Guidelines, 2015. Collection method: clinical testing. Allele origin: germline. Inheritance: Autosomal dominant inheritance. Observed: 4 variant alleles, 4 heterozygotes.
Comment: This study involves interpretation of variants in research participants for the purpose of population health screening. Participant phenotype was not available at the time of variant classification. Additional details can be found in publication PMID: 35346344, PMCID: PMC8962531

Genome-Nilou Lab
Classification: Likely benign for Dilated cardiomyopathy 1D. Last evaluated: 2023-04-11. Review status: criteria provided, single submitter. Criteria: ACMG Guidelines, 2015. Collection method: clinical testing. Allele origin: germline. Affected: no.

Genome-Nilou Lab
Classification: Likely benign for Cardiomyopathy, familial restrictive, 3. Last evaluated: 2023-04-11. Review status: criteria provided, single submitter. Criteria: ACMG Guidelines, 2015. Collection method: clinical testing. Allele origin: germline. Affected: no.

Genome-Nilou Lab
Classification: Likely benign for Hypertrophic cardiomyopathy 2. Last evaluated: 2023-04-11. Review status: criteria provided, single submitter. Criteria: ACMG Guidelines, 2015. Collection method: clinical testing. Allele origin: germline. Affected: no.

Color Diagnostics, LLC DBA Color Health
Classification: Likely benign for Cardiomyopathy. Last evaluated: 2019-01-08. Review status: criteria provided, single submitter. Criteria: ACMG Guidelines, 2015. Collection method: clinical testing. Allele origin: germline.

NM_001276345.2(TNNT2):c.412-14C>A

Gene: TNNT2 (troponin T2, cardiac type; minus strand). Cytogenetic location: 1q32.1.
Variant type: single nucleotide variant.
Coding change: c.412-14C>A on transcript NM_001276345.2 (MANE Select); 14 bases into the intron before coding-DNA position 412, C replaced by A.
Molecular consequence: intron variant.
Genome position (GRCh38, 1-based): chr1:201,364,389, G>T on the plus strand (C>A on the coding strand, the complement: TNNT2 is on the minus strand). VCF-style: chr1-201364389-G-T. GRCh37 (hg19) VCF-style: chr1-201333517-G-T.
Other names: c.367-14C>A (NM_001001432.3); c.382-14C>A (NM_001001431.3, NM_001001430.3, NM_001276347.2); c.292-14C>A (NM_001276346.2); c.412-14C>A (NM_000364.4).
Identifiers: ClinVar variation 925336 (VCV000925336.10), dbSNP rs745721749, ClinGen allele CA088994.